The following is an entry in ClinVar:

NM_016284.5(CNOT1):c.2130+4A>G

Gene: CNOT1 (CCR4-NOT transcription complex subunit 1; minus strand). Cytogenetic location: 16q21.
Variant type: single nucleotide variant.
Coding change: c.2130+4A>G on transcript NM_016284.5 (MANE Select); 4 bases into the intron after coding-DNA position 2130, A replaced by G.
Molecular consequence: intron variant.
Genome position (GRCh38, 1-based): chr16:58,560,208, T>C on the plus strand (A>G on the coding strand, the complement: CNOT1 is on the minus strand). VCF-style: chr16-58560208-T-C. GRCh37 (hg19) VCF-style: chr16-58594112-T-C.
Other names: c.2130+4A>G (NM_001265612.2, NM_206999.3).
Identifiers: ClinVar variation 1993355 (VCV001993355.4), dbSNP rs2543984518, ClinGen allele CA2580091744.

ClinVar aggregate classification (germline): Uncertain significance (1 of 4 stars; one submission).

Allele frequency attached by ClinVar (database versions not stated): gnomAD exomes below 0.00001.
gnomAD v4.1: 1 of 1,613,722 alleles (0.000062%); highest among the groups gnomAD compares: South Asian, 0.0011%; no homozygotes.

Submission:

Labcorp Genetics (formerly Invitae), Labcorp
Classification: Uncertain significance. Last evaluated: 2022-05-12. Review status: criteria provided, single submitter. Criteria: Invitae Variant Classification Sherloc (09022015). Collection method: clinical testing. Allele origin: germline.
Comment: Variants that disrupt the consensus splice site are a relatively common cause of aberrant splicing (PMID: 17576681, 9536098). Algorithms developed to predict the effect of sequence changes on RNA splicing suggest that this variant is not likely to affect RNA splicing. This sequence change falls in intron 17 of the CNOT1 gene. It does not directly change the encoded amino acid sequence of the CNOT1 protein. It affects a nucleotide within the consensus splice site. This variant is not present in population databases (gnomAD no frequency). This variant has not been reported in the literature in individuals affected with CNOT1-related conditions. In summary, the available evidence is currently insufficient to determine the role of this variant in disease. Therefore, it has been classified as a Variant of Uncertain Significance.

Literature cited by the submitters: PubMed 17576681; PubMed 9536098.